The following is an entry in ClinVar:

ClinVar aggregate classification (germline): Uncertain significance (1 of 4 stars; one submission).

Allele frequency attached by ClinVar (database versions not stated): gnomAD exomes below 0.00001.
gnomAD v4.1: 2 of 1,614,038 alleles (0.00012%); highest among the groups gnomAD compares: Non-Finnish European, 0.00017%; no homozygotes.

Submission:

Labcorp Genetics (formerly Invitae), Labcorp
Classification: Uncertain significance. Last evaluated: 2023-09-27. Review status: criteria provided, single submitter. Criteria: Invitae Variant Classification Sherloc (09022015). Collection method: clinical testing. Allele origin: germline.
Comment: This sequence change replaces lysine, which is basic and polar, with arginine, which is basic and polar, at codon 73 of the A2ML1 protein (p.Lys73Arg). This variant is not present in population databases (gnomAD no frequency). This variant has not been reported in the literature in individuals affected with A2ML1-related conditions. An algorithm developed to predict the effect of missense changes on protein structure and function (PolyPhen-2) suggests that this variant is likely to be tolerated. In summary, the available evidence is currently insufficient to determine the role of this variant in disease. Therefore, it has been classified as a Variant of Uncertain Significance.

NM_144670.6(A2ML1):c.218A>G (p.Lys73Arg)

Genes: A2ML1 (alpha-2-macroglobulin like 1; plus strand), A2ML1-AS1 (A2ML1 antisense RNA 1; minus strand). Cytogenetic location: 12p13.31.
Variant type: single nucleotide variant.
Coding change: c.218A>G on transcript NM_144670.6 (MANE Select); coding-DNA position 218, A replaced by G.
Protein change: p.Lys73Arg; replaces lysine 73 with arginine.
Molecular consequence: missense variant.
Genome position (GRCh38, 1-based): chr12:8,823,337, A>G. VCF-style: chr12-8823337-A-G. GRCh37 (hg19) VCF-style: chr12-8975933-A-G.
Other names: short protein forms K73R.
Identifiers: ClinVar variation 2782830 (VCV002782830.3), dbSNP rs2539172238, ClinGen allele CA383818421.